The following is an entry in ClinVar:

ClinVar aggregate classification (germline): Uncertain significance (1 of 4 stars; one submission).

gnomAD v4.1: 1 of 1,550,160 alleles (0.000065%); highest among the groups gnomAD compares: East Asian, 0.0024%; no homozygotes.

Submission:

Labcorp Genetics (formerly Invitae), Labcorp
Classification: Uncertain significance. Last evaluated: 2022-08-22. Review status: criteria provided, single submitter. Criteria: Invitae Variant Classification Sherloc (09022015). Collection method: clinical testing. Allele origin: germline.
Comment: This sequence change replaces valine, which is neutral and non-polar, with methionine, which is neutral and non-polar, at codon 2189 of the OTOG protein (p.Val2189Met). This variant is not present in population databases (gnomAD no frequency). This variant has not been reported in the literature in individuals affected with OTOG-related conditions. Algorithms developed to predict the effect of missense changes on protein structure and function are either unavailable or do not agree on the potential impact of this missense change (SIFT: "Deleterious"; PolyPhen-2: "Probably Damaging"; Align-GVGD: "Class C0"). Algorithms developed to predict the effect of sequence changes on RNA splicing suggest that this variant may disrupt the consensus splice site. In summary, the available evidence is currently insufficient to determine the role of this variant in disease. Therefore, it has been classified as a Variant of Uncertain Significance.

NM_001292063.2(OTOG):c.6529G>A (p.Val2177Met)

Gene: OTOG (otogelin; plus strand). Cytogenetic location: 11p15.1.
Variant type: single nucleotide variant.
Coding change: c.6529G>A on transcript NM_001292063.2 (MANE Select); coding-DNA position 6529, G replaced by A.
Protein change: p.Val2177Met; replaces valine 2177 with methionine.
Molecular consequence: missense variant.
Genome position (GRCh38, 1-based): chr11:17,629,133, G>A. VCF-style: chr11-17629133-G-A. GRCh37 (hg19) VCF-style: chr11-17650680-G-A.
Other names: c.6565G>A, p.Val2189Met (NM_001277269.2); short protein forms V2177M, V2189M.
Identifiers: ClinVar variation 1717603 (VCV001717603.3), dbSNP rs748204231, ClinGen allele CA379807571.